The following is an entry in ClinVar:

NM_024072.4(DDX54):c.2462C>T (p.Pro821Leu)

Genes: CFAP73 (cilia and flagella associated protein 73; plus strand), DDX54 (DEAD-box helicase 54; minus strand). Cytogenetic location: 12q24.13.
Variant type: single nucleotide variant.
Coding change: c.2462C>T on transcript NM_024072.4 (MANE Select); coding-DNA position 2462, C replaced by T.
Protein change: p.Pro821Leu; replaces proline 821 with leucine.
Molecular consequence: missense variant. On other transcripts: 3 prime UTR variant (1).
Genome position (GRCh38, 1-based): chr12:113,159,061, G>A on the plus strand (C>T on the coding strand, the complement: DDX54 is on the minus strand). VCF-style: chr12-113159061-G-A. GRCh37 (hg19) VCF-style: chr12-113596866-G-A.
Other names: NC_000012.11:g.113596866G>A; c.*372G>A (NM_001144872.3); c.2465C>T, p.Pro822Leu (NM_001111322.2); short protein forms P821L, P822L.
Identifiers: ClinVar variation 3056831 (VCV003056831.3), dbSNP rs1048889, ClinGen allele CA6803238.
Genomic context (GRCh38, chr12:113,159,061, plus strand): 5'-AAGTGCAGCTTCTGGGCCCGGCGCCGCTGCTTCAGGATCTGCTGCTTGGTCTTGAGTTCC[G>A]GGCGGACTCGGCCTGCAGGGGTGCCTGGGGCGTGGGGCCGGGATGCACCTGCTGGGACAG-3'
Protein context (NP_076977.3, residues 811-831): APGTPAGRVR[Pro821Leu]ELKTKQQILK

ClinVar aggregate classification (germline): Benign (0 of 4 stars; one submission).

Conditions:
DDX54-related disorder. Also called: DDX54-related condition.

Allele frequency attached by ClinVar (database versions not stated): 1000 Genomes Project 30x 0.02452; 1000 Genomes Project 0.02476; ESP Exome Variant Server 0.04260; TOPMed 0.04376; gnomAD 0.04929; ExAC 0.05906.
gnomAD v4.1: 97,239 of 1,608,710 alleles (6%); highest among the groups gnomAD compares: Non-Finnish European, 6.7%; 3,469 homozygotes.

Submissions (9):

PreventionGenetics, part of Exact Sciences
Classification: Benign for DDX54-related condition. Last evaluated: 2019-11-11. Review status: no assertion criteria provided. Collection method: clinical testing. Allele origin: germline.
Comment: This variant is classified as benign based on ACMG/AMP sequence variant interpretation guidelines (Richards et al. 2015 PMID: 25741868, with internal and published modifications).

Dr. Peter K. Rogan Lab, Western University
No classification provided (evidence only). Condition: Melanoma. Review status: no classification provided. Collection method: in vitro. Allele origin: not applicable. Functional consequence: retained intron. Not counted in ClinVar's aggregate classification.

Dr. Peter K. Rogan Lab, Western University
No classification provided (evidence only). Condition: Adrenocortical carcinoma, hereditary. Review status: no classification provided. Collection method: in vitro. Allele origin: not applicable. Functional consequence: retained intron. Not counted in ClinVar's aggregate classification.

Dr. Peter K. Rogan Lab, Western University
No classification provided (evidence only). Condition: Adrenocortical carcinoma, hereditary. Review status: no classification provided. Collection method: in vitro. Allele origin: not applicable. Functional consequence: retained intron. Not counted in ClinVar's aggregate classification.

Dr. Peter K. Rogan Lab, Western University
No classification provided (evidence only). Condition: Uterine carcinosarcoma. Review status: no classification provided. Collection method: in vitro. Allele origin: not applicable. Functional consequence: retained intron. Not counted in ClinVar's aggregate classification.

Dr. Peter K. Rogan Lab, Western University
No classification provided (evidence only). Condition: Uterine carcinosarcoma. Review status: no classification provided. Collection method: in vitro. Allele origin: not applicable. Functional consequence: retained intron. Not counted in ClinVar's aggregate classification.

Dr. Peter K. Rogan Lab, Western University
No classification provided (evidence only). Condition: Uveal melanoma. Review status: no classification provided. Collection method: in vitro. Allele origin: not applicable. Functional consequence: retained intron. Not counted in ClinVar's aggregate classification.

Dr. Peter K. Rogan Lab, Western University
No classification provided (evidence only). Condition: Uveal melanoma. Review status: no classification provided. Collection method: in vitro. Allele origin: not applicable. Functional consequence: retained intron. Not counted in ClinVar's aggregate classification.

Dr. Peter K. Rogan Lab, Western University
No classification provided (evidence only). Condition: Uveal melanoma. Review status: no classification provided. Collection method: in vitro. Allele origin: not applicable. Functional consequence: retained intron. Not counted in ClinVar's aggregate classification.